The following is an entry in ClinVar:

NM_005515.4(MNX1):c.439C>A (p.Gln147Lys)

Genes: MNX1 (motor neuron and pancreas homeobox 1; minus strand), LOC129999736 (ATAC-STARR-seq lymphoblastoid silent region 18858; plus strand). Cytogenetic location: 7q36.3.
Variant type: single nucleotide variant.
Coding change: c.439C>A on transcript NM_005515.4 (MANE Select); coding-DNA position 439, C replaced by A.
Protein change: p.Gln147Lys; replaces glutamine 147 with lysine.
Molecular consequence: missense variant.
Genome position (GRCh38, 1-based): chr7:157,009,912, G>T on the plus strand (C>A on the coding strand, the complement: MNX1 is on the minus strand). VCF-style: chr7-157009912-G-T. GRCh37 (hg19) VCF-style: chr7-156802606-G-T.
Other names: short protein forms Q147K.
Identifiers: ClinVar variation 2993185 (VCV002993185.3), dbSNP rs2537780690, ClinGen allele CA370164556.

ClinVar aggregate classification (germline): Uncertain significance (1 of 4 stars; one submission).

Submission:

Labcorp Genetics (formerly Invitae), Labcorp
Classification: Uncertain significance. Last evaluated: 2023-07-30. Review status: criteria provided, single submitter. Criteria: Invitae Variant Classification Sherloc (09022015). Collection method: clinical testing. Allele origin: germline.
Comment: In summary, the available evidence is currently insufficient to determine the role of this variant in disease. Therefore, it has been classified as a Variant of Uncertain Significance. Experimental studies and prediction algorithms are not available or were not evaluated, and the functional significance of this variant is currently unknown. This variant has not been reported in the literature in individuals affected with MNX1-related conditions. This variant is not present in population databases (gnomAD no frequency). This sequence change replaces glutamine, which is neutral and polar, with lysine, which is basic and polar, at codon 147 of the MNX1 protein (p.Gln147Lys).